The following is an entry in ClinVar:

NM_016356.5(DCDC2):c.454C>G (p.Pro152Ala)

Gene: DCDC2 (doublecortin domain containing 2; minus strand). Cytogenetic location: 6p22.3.
Variant type: single nucleotide variant.
Coding change: c.454C>G on transcript NM_016356.5 (MANE Select); coding-DNA position 454, C replaced by G.
Protein change: p.Pro152Ala; replaces proline 152 with alanine.
Molecular consequence: missense variant.
Genome position (GRCh38, 1-based): chr6:24,301,818, G>C on the plus strand (C>G on the coding strand, the complement: DCDC2 is on the minus strand). VCF-style: chr6-24301818-G-C. GRCh37 (hg19) VCF-style: chr6-24302046-G-C.
Other names: p.Pro152Ala; c.454C>G, p.Pro152Ala (NM_001195610.2); short protein forms P152A.
Identifiers: ClinVar variation 466326 (VCV000466326.14), dbSNP rs33914824, ClinGen allele CA3654749.
Genomic context (GRCh38, chr6:24,301,818, plus strand): 5'-TTTGTAGTACATGATCCCACTGATTCAAGGTTTTTCTGGGGATAAGGAGGCGAGAAGCTG[G>C]GTTTATGAGGTCTCCATTTGCAATCAAGCTGGAAAACAGGGGGCAAACCTTCTGAAACAG-3'
Protein context (NP_057440.2, residues 142-162): FLIANGDLIN[Pro152Ala]ASRLLIPRKT

ClinVar aggregate classification (germline): Benign/Likely benign. Review status: criteria provided, multiple submitters, no conflicts (2 of 4 stars). 5 submissions from 5 submitters: Benign (4); Likely benign (1). Last evaluated 2026-02-01.

Conditions:
Isolated neonatal sclerosing cholangitis (NSC). Also called: Sclerosing cholangitis, neonatal. Identifiers: Orphanet 480556, MedGen C4479344, MONDO:0018816, OMIM 617394.
Autosomal recessive nonsyndromic hearing loss 66 (DFNB66). Also called: Deafness, autosomal recessive 66. Identifiers: Orphanet 90636, MedGen C1857750, MONDO:0012442, OMIM 610212.

Allele frequency attached by ClinVar (database versions not stated): gnomAD exomes 0.03729; 1000 Genomes Project 0.03774; ExAC 0.03832; gnomAD 0.03882 and 0.03894; 1000 Genomes Project 30x 0.03935; ESP Exome Variant Server 0.03998; TOPMed 0.04133.
gnomAD v4.1: 63,178 of 1,614,066 alleles (3.9%); highest among the groups gnomAD compares: South Asian, 5.3%; 1,351 homozygotes.

Submissions (5):

Labcorp Genetics (formerly Invitae), Labcorp
Classification: Benign for Autosomal recessive nonsyndromic hearing loss 66; Isolated neonatal sclerosing cholangitis. Last evaluated: 2026-02-01. Review status: criteria provided, single submitter. Criteria: Invitae Variant Classification Sherloc (09022015). Collection method: clinical testing. Allele origin: germline.

Blueprint Genetics
Classification: Likely benign. Last evaluated: 2024-11-26. Review status: criteria provided, single submitter. Criteria: ACMG Guidelines, 2015. Collection method: clinical testing. Allele origin: germline.

Mayo Clinic Laboratories, Mayo Clinic
Classification: Benign. Last evaluated: 2022-05-09. Review status: criteria provided, single submitter. Criteria: ACMG Guidelines, 2015. Collection method: clinical testing. Allele origin: germline. Observed: 64 variant alleles.

Athena Diagnostics
Classification: Benign. Last evaluated: 2019-02-26. Review status: criteria provided, single submitter. Criteria: Athena Diagnostics Criteria. Collection method: clinical testing. Allele origin: germline.

GeneDx
Classification: Benign. Last evaluated: 2017-08-16. Review status: criteria provided, single submitter. Criteria: GeneDx Variant Classification (06012015). Collection method: clinical testing. Allele origin: germline. Affected: yes.
Comment: This variant is considered likely benign or benign based on one or more of the following criteria: it is a conservative change, it occurs at a poorly conserved position in the protein, it is predicted to be benign by multiple in silico algorithms, and/or has population frequency not consistent with disease.

Literature cited by the submitters: PubMed 28440294 (cited by Athena Diagnostics); PubMed 28461130 (cited by Athena Diagnostics); PubMed 28461131 (cited by Athena Diagnostics); PubMed 23677054 (cited by Athena Diagnostics); PubMed 23746548 (cited by Athena Diagnostics).